The following is an entry in ClinVar:

ClinVar aggregate classification (germline): Uncertain significance (1 of 4 stars; one submission).

Conditions:
Inborn genetic diseases. Identifiers: MedGen C0950123, MeSH D030342.

Allele frequency attached by ClinVar (database versions not stated): gnomAD exomes below 0.00001.
gnomAD v4.1: 1 of 1,614,184 alleles (0.000062%); highest among the groups gnomAD compares: Non-Finnish European, 0.000085%; no homozygotes.

Submission:

Ambry Genetics
Classification: Uncertain significance for Inborn genetic diseases. Last evaluated: 2025-04-12. Review status: criteria provided, single submitter. Criteria: Ambry Variant Classification Scheme 2023. Collection method: clinical testing. Allele origin: germline.
Comment: The p.T594R variant (also known as c.1781C>G), located in coding exon 15 of the BUB1B gene, results from a C to G substitution at nucleotide position 1781. The threonine at codon 594 is replaced by arginine, an amino acid with similar properties. This amino acid position is conserved. In addition, this alteration is predicted to be tolerated by in silico analysis. Since supporting evidence is limited at this time, the clinical significance of this alteration remains unclear.

NM_001211.6(BUB1B):c.1781C>G (p.Thr594Arg)

Gene: BUB1B (BUB1 mitotic checkpoint serine/threonine kinase B; plus strand). Cytogenetic location: 15q15.1.
Variant type: single nucleotide variant.
Coding change: c.1781C>G on transcript NM_001211.6 (MANE Select); coding-DNA position 1781, C replaced by G.
Protein change: p.Thr594Arg; replaces threonine 594 with arginine.
Molecular consequence: missense variant.
Genome position (GRCh38, 1-based): chr15:40,206,230, C>G. VCF-style: chr15-40206230-C-G. GRCh37 (hg19) VCF-style: chr15-40498431-C-G.
Other names: short protein forms T594R.
Identifiers: ClinVar variation 1780004 (VCV001780004.3), dbSNP rs2542564699, ClinGen allele CA391692344.